The following is an entry in ClinVar:

ClinVar aggregate classification (germline): Uncertain significance (1 of 4 stars; one submission).

Conditions:
Familial hypocalciuric hypercalcemia (FHH). Also called: Familial benign hypercalcemia. Identifiers: Orphanet 405, MedGen C1809471, MONDO:0018458.
Autosomal dominant hypocalcemia 1 (HYPOC1). Also called: HYPOCALCEMIA, FAMILIAL. Identifiers: MedGen C3715128, MONDO:0011013, OMIM 601198.

Submission:

Labcorp Genetics (formerly Invitae), Labcorp
Classification: Uncertain significance for Familial hypocalciuric hypercalcemia; Autosomal dominant hypocalcemia 1. Last evaluated: 2022-04-11. Review status: criteria provided, single submitter. Criteria: Invitae Variant Classification Sherloc (09022015). Collection method: clinical testing. Allele origin: germline.
Comment: In summary, the available evidence is currently insufficient to determine the role of this variant in disease. Therefore, it has been classified as a Variant of Uncertain Significance. This sequence change replaces phenylalanine, which is neutral and non-polar, with serine, which is neutral and polar, at codon 522 of the CASR protein (p.Phe522Ser). This variant is not present in population databases (gnomAD no frequency). This variant has not been reported in the literature in individuals affected with CASR-related conditions. Algorithms developed to predict the effect of missense changes on protein structure and function are either unavailable or do not agree on the potential impact of this missense change (SIFT: "Deleterious"; PolyPhen-2: "Benign"; Align-GVGD: "Class C55").

NM_000388.4(CASR):c.1565T>C (p.Phe522Ser)

Gene: CASR (calcium sensing receptor; plus strand). Cytogenetic location: 3q21.1.
Variant type: single nucleotide variant.
Coding change: c.1565T>C on transcript NM_000388.4 (MANE Select); coding-DNA position 1565, T replaced by C.
Protein change: p.Phe522Ser; replaces phenylalanine 522 with serine.
Molecular consequence: missense variant.
Genome position (GRCh38, 1-based): chr3:122,275,999, T>C. VCF-style: chr3-122275999-T-C. GRCh37 (hg19) VCF-style: chr3-121994846-T-C.
Other names: c.1565T>C, p.Phe522Ser (NM_001178065.2); short protein forms F522S.
Identifiers: ClinVar variation 2124548 (VCV002124548.4), dbSNP rs2473258416, ClinGen allele CA354155450.